The following is an entry in ClinVar:

ClinVar aggregate classification (germline): Pathogenic (1 of 4 stars; one submission).

Conditions:
Mucopolysaccharidosis, MPS-II (MPS2). Also called: Hunter Syndrome; IDURONATE 2-SULFATASE DEFICIENCY; Mucopolysaccharidosis Type II; Mucopolysaccharidosis type 2; Attenuated MPS (subtype; formerly known as mild MPS II); Severe MPS II. Identifiers: Orphanet 580, Orphanet 79388, MedGen C0026705, MONDO:0010674, OMIM 309900.

Submission:

Laboratory of Diagnosis and Therapy of Lysosomal Disorders, University of Padova
Classification: Pathogenic for Mucopolysaccharidosis, MPS-II. Last evaluated: 2024-06-07. Review status: criteria provided, single submitter. Criteria: ACMG Guidelines, 2015. Collection method: literature only. Allele origin: germline. Affected: yes. Observed: 1 variant allele.
Comment: Null variant (PVS1_Strong), Absent from controls (or at low frequency) in gnomAD database (PM2_Moderate), Patient’s phenotype or family history highly specific for the disease (PP4_Strong)

Classification method: ACMG Guidelines [PMID:25741868] with modifications

Literature cited by the submitters: PubMed 9501270.

NM_000202.8(IDS):c.1337dup (p.Asp446fs)

Gene: IDS (iduronate 2-sulfatase; minus strand). Cytogenetic location: Xq28.
Variant type: Duplication.
Coding change: c.1337dup on transcript NM_000202.8 (MANE Select); coding-DNA position 1337, one base duplicated (A; older notation c.1337dupA).
Protein change: p.Asp446fs; shifts the reading frame from aspartic acid 446.
Molecular consequence: frameshift variant.
Genome position (GRCh38, 1-based): chrX:149,483,062, T duplicated on the plus strand (A on the coding strand, the reverse complement: IDS is on the minus strand). VCF-style (leftmost placement, unchanged base first): chrX-149483061-G-GT. GRCh37 (hg19) VCF-style: chrX-148564592-G-GT.
Other names: c.1067dup, p.Asp356fs (NM_001166550.4); short protein forms D356fs, D446fs.
Identifiers: ClinVar variation 3256028 (VCV003256028.2).